The following is an entry in ClinVar:

ClinVar aggregate classification (germline): Pathogenic (1 of 4 stars; one submission).

Submission:

Labcorp Genetics (formerly Invitae), Labcorp
Classification: Pathogenic. Last evaluated: 2023-09-29. Review status: criteria provided, single submitter. Criteria: Invitae Variant Classification Sherloc (09022015). Collection method: clinical testing. Allele origin: germline.
Comment: For these reasons, this variant has been classified as Pathogenic. This variant disrupts a region of the CYP27B1 protein in which other variant(s) (p.Arg492Trp) have been determined to be pathogenic (PMID: 22588163, 30282619, 35279323). This suggests that this is a clinically significant region of the protein, and that variants that disrupt it are likely to be disease-causing. This variant has not been reported in the literature in individuals affected with CYP27B1-related conditions. This variant is not present in population databases (gnomAD no frequency). This sequence change creates a premature translational stop signal (p.Ala485Glyfs*4) in the CYP27B1 gene. While this is not anticipated to result in nonsense mediated decay, it is expected to disrupt the last 24 amino acid(s) of the CYP27B1 protein.

Literature cited by the submitters: PubMed 22588163; PubMed 30282619; PubMed 35279323.

NM_000785.4(CYP27B1):c.1453dup (p.Ala485fs)

Gene: CYP27B1 (cytochrome P450 family 27 subfamily B member 1; minus strand). Cytogenetic location: 12q14.1.
Variant type: Duplication.
Coding change: c.1453dup on transcript NM_000785.4 (MANE Select); coding-DNA position 1453, one base duplicated (G; older notation c.1453dupG).
Protein change: p.Ala485fs; shifts the reading frame from alanine 485.
Molecular consequence: frameshift variant.
Genome position (GRCh38, 1-based): chr12:57,763,216, C duplicated on the plus strand (G on the coding strand, the reverse complement: CYP27B1 is on the minus strand); the first of 2 consecutive C bases (chr12:57,763,216-57,763,217); duplicating either gives the same sequence. VCF-style (leftmost placement, unchanged base first): chr12-57763215-G-GC. GRCh37 (hg19) VCF-style: chr12-58156998-G-GC.
Other names: short protein forms A485fs.
Identifiers: ClinVar variation 2764378 (VCV002764378.3), dbSNP rs2540914599, ClinGen allele CA2697559329.